The following is an entry in ClinVar:

ClinVar aggregate classification (germline): Uncertain significance (1 of 4 stars; one submission).

Submission:

Labcorp Genetics (formerly Invitae), Labcorp
Classification: Uncertain significance. Last evaluated: 2022-09-13. Review status: criteria provided, single submitter. Criteria: Invitae Variant Classification Sherloc (09022015). Collection method: clinical testing. Allele origin: germline.
Comment: In summary, the available evidence is currently insufficient to determine the role of this variant in disease. Therefore, it has been classified as a Variant of Uncertain Significance. Variants that disrupt the consensus splice site are a relatively common cause of aberrant splicing (PMID: 17576681, 9536098). Algorithms developed to predict the effect of sequence changes on RNA splicing suggest that this variant is not likely to affect RNA splicing. This variant has not been reported in the literature in individuals affected with PTPN23-related conditions. This variant is not present in population databases (gnomAD no frequency). This sequence change falls in intron 2 of the PTPN23 gene. It does not directly change the encoded amino acid sequence of the PTPN23 protein. It affects a nucleotide within the consensus splice site.

Literature cited by the submitters: PubMed 17576681; PubMed 9536098.

NM_015466.4(PTPN23):c.159+3A>G

Gene: PTPN23 (protein tyrosine phosphatase non-receptor type 23; plus strand). Cytogenetic location: 3p21.31.
Variant type: single nucleotide variant.
Coding change: c.159+3A>G on transcript NM_015466.4 (MANE Select); 3 bases into the intron after coding-DNA position 159, A replaced by G.
Molecular consequence: intron variant.
Genome position (GRCh38, 1-based): chr3:47,396,220, A>G. VCF-style: chr3-47396220-A-G. GRCh37 (hg19) VCF-style: chr3-47437710-A-G.
Other names: c.-92+3A>G (NM_001304482.2).
Identifiers: ClinVar variation 2130315 (VCV002130315.4), dbSNP rs2546224042, ClinGen allele CA2580069879.